The following is an entry in ClinVar:

NC_000020.10:g.(?_17603729)_(18541384_?)del

Genes: MGME1 (mitochondrial genome maintenance exonuclease 1; plus strand), RBBP9 (RB binding protein 9, serine hydrolase; minus strand), POLR3F (RNA polymerase III subunit F; plus strand), BANF2 (BANF family member 2; plus strand), PET117 (PET117 cytochrome c oxidase chaperone; plus strand) and 7 more. Cytogenetic location: 20p12.1-11.23.
Variant type: Deletion.
Identifiers: ClinVar variation 3248265 (VCV003248265.1).

ClinVar aggregate classification (germline): Pathogenic (1 of 4 stars; one submission).

Conditions:
Congenital dyserythropoietic anemia, type II (CDAN2). Also called: DYSERYTHROPOIETIC ANEMIA, HEMPAS TYPE. Identifiers: Orphanet 98873, MedGen C1306589, MONDO:0009134, OMIM 224100.
Cowden syndrome 7 (CWS7). Identifiers: Orphanet 201, MedGen C4225179, MONDO:0014802, OMIM 616858.

Submission:

Labcorp Genetics (formerly Invitae), Labcorp
Classification: Pathogenic for Congenital dyserythropoietic anemia, type II; Cowden syndrome 7. Last evaluated: 2023-10-19. Review status: criteria provided, single submitter. Criteria: Invitae Variant Classification Sherloc (09022015). Collection method: clinical testing. Allele origin: unknown.
Comment: A gross deletion of the genomic region encompassing the full coding sequence of the SEC23B gene has been identified. Loss-of-function variants in SEC23B are known to be pathogenic (PMID: 19561605, 25044164). The boundaries of this event are unknown as they extend beyond the assayed region for this gene and therefore may encompass additional genes. This variant has not been reported in the literature in individuals affected with SEC23B-related conditions. For these reasons, this variant has been classified as Pathogenic.

Literature cited by the submitters: PubMed 19561605; PubMed 25044164.